The following is an entry in ClinVar:

ClinVar aggregate classification (germline): Uncertain significance (1 of 4 stars; one submission).

Conditions:
Microcephaly, normal intelligence and immunodeficiency (NBS). Also called: Immunodeficiency, microcephaly with normal intelligence; Ataxia telangiectasia variant V1; BERLIN BREAKAGE SYNDROME; Nijmegen breakage syndrome; Microcephaly with normal intelligence immunodeficiency and lymphoreticular malignancies; Nonsyndromal microcephaly autosomal recessive with normal intelligence. Identifiers: Orphanet 647, MedGen C0398791, MONDO:0009623, OMIM 251260.

Submission:

Labcorp Genetics (formerly Invitae), Labcorp
Classification: Uncertain significance for Microcephaly, normal intelligence and immunodeficiency. Last evaluated: 2022-01-27. Review status: criteria provided, single submitter. Criteria: Invitae Variant Classification Sherloc (09022015). Collection method: clinical testing. Allele origin: germline.
Comment: This sequence change replaces asparagine, which is neutral and polar, with aspartic acid, which is acidic and polar, at codon 51 of the NBN protein (p.Asn51Asp). This variant is not present in population databases (gnomAD no frequency). This variant has not been reported in the literature in individuals affected with NBN-related conditions. Algorithms developed to predict the effect of missense changes on protein structure and function output the following: SIFT: "Tolerated"; PolyPhen-2: "Benign"; Align-GVGD: "Class C0". The aspartic acid amino acid residue is found in multiple mammalian species, which suggests that this missense change does not adversely affect protein function. In summary, the available evidence is currently insufficient to determine the role of this variant in disease. Therefore, it has been classified as a Variant of Uncertain Significance.

NM_002485.5(NBN):c.151A>G (p.Asn51Asp)

Gene: NBN (nibrin; minus strand). Cytogenetic location: 8q21.3.
Variant type: single nucleotide variant.
Coding change: c.151A>G on transcript NM_002485.5 (MANE Select); coding-DNA position 151, A replaced by G.
Protein change: p.Asn51Asp; replaces asparagine 51 with aspartic acid.
Molecular consequence: missense variant. On other transcripts: 5 prime UTR variant (1).
Genome position (GRCh38, 1-based): chr8:89,982,742, T>C on the plus strand (A>G on the coding strand, the complement: NBN is on the minus strand). VCF-style: chr8-89982742-T-C. GRCh37 (hg19) VCF-style: chr8-90994970-T-C.
Other names: c.-146A>G (NM_001024688.3); short protein forms N51D.
Identifiers: ClinVar variation 2089722 (VCV002089722.4), dbSNP rs2488368446, ClinGen allele CA371662977.